The following is an entry in ClinVar:

NM_017780.4(CHD7):c.547C>T (p.Pro183Ser)

Gene: CHD7 (chromodomain helicase DNA binding protein 7; plus strand). Cytogenetic location: 8q12.2.
Variant type: single nucleotide variant.
Coding change: c.547C>T on transcript NM_017780.4 (MANE Select); coding-DNA position 547, C replaced by T.
Protein change: p.Pro183Ser; replaces proline 183 with serine.
Molecular consequence: missense variant.
Genome position (GRCh38, 1-based): chr8:60,741,979, C>T. VCF-style: chr8-60741979-C-T. GRCh37 (hg19) VCF-style: chr8-61654538-C-T.
Other names: c.547C>T, p.Pro183Ser (NM_001316690.1); c.547C>T (NM_017780.3); short protein forms P183S.
Identifiers: ClinVar variation 1308472 (VCV001308472.3), dbSNP rs2150578600, ClinGen allele CA371297912.

ClinVar aggregate classification (germline): Uncertain significance. Review status: criteria provided, multiple submitters, no conflicts (2 of 4 stars). 2 submissions from 2 submitters: Uncertain significance (2). Last evaluated 2025-06-20.

Conditions:
Inborn genetic diseases. Identifiers: MedGen C0950123, MeSH D030342.

gnomAD v4.1: 1 of 1,613,764 alleles (0.000062%); highest among the groups gnomAD compares: Non-Finnish European, 0.000085%; no homozygotes.

Submissions (2):

Ambry Genetics
Classification: Uncertain significance for Inborn genetic diseases. Last evaluated: 2025-06-20. Review status: criteria provided, single submitter. Criteria: Ambry Variant Classification Scheme 2023. Collection method: clinical testing. Allele origin: germline.
Comment: The p.P183S variant (also known as c.547C>T), located in coding exon 1 of the CHD7 gene, results from a C to T substitution at nucleotide position 547. The proline at codon 183 is replaced by serine, an amino acid with similar properties. This amino acid position is conserved. In addition, the in silico prediction for this alteration is inconclusive. Based on the available evidence, the clinical significance of this variant remains unclear.

GeneDx
Classification: Uncertain significance. Last evaluated: 2019-04-08. Review status: criteria provided, single submitter. Criteria: GeneDx Variant Classification Process June 2021. Collection method: clinical testing. Allele origin: germline. Affected: yes.
Comment: Not observed in large population cohorts (Lek et al., 2016); In silico analysis, which includes protein predictors and evolutionary conservation, supports that this variant does not alter protein structure/function; Has not been previously published as pathogenic or benign to our knowledge